The following is an entry in ClinVar:

NM_001376.5(DYNC1H1):c.12262G>A (p.Val4088Ile)

Gene: DYNC1H1 (dynein cytoplasmic 1 heavy chain 1; plus strand). Cytogenetic location: 14q32.31.
Variant type: single nucleotide variant.
Coding change: c.12262G>A on transcript NM_001376.5 (MANE Select); coding-DNA position 12262, G replaced by A.
Protein change: p.Val4088Ile; replaces valine 4088 with isoleucine.
Molecular consequence: missense variant.
Genome position (GRCh38, 1-based): chr14:102,042,275, G>A. VCF-style: chr14-102042275-G-A. GRCh37 (hg19) VCF-style: chr14-102508612-G-A.
Other names: short protein forms V4088I.
Identifiers: ClinVar variation 2644573 (VCV002644573.24), dbSNP rs2503858448, ClinGen allele CA391040364.

ClinVar aggregate classification (germline): Uncertain significance (1 of 4 stars; one submission).

gnomAD v4.1: 1 of 1,614,088 alleles (0.000062%); no homozygotes.

Submission:

CeGaT Center for Human Genetics Tuebingen
Classification: Uncertain significance. Last evaluated: 2022-09-01. Review status: criteria provided, single submitter. Criteria: CeGaT Center For Human Genetics Tuebingen Variant Classification Criteria Version 2. Collection method: clinical testing. Allele origin: germline. Affected: yes. Observed: 1 variant allele.
Comment: DYNC1H1: PM2